The following is an entry in ClinVar:

NM_001384474.1(LOXHD1):c.4256C>T (p.Thr1419Ile)

Gene: LOXHD1 (lipoxygenase homology PLAT domains 1; minus strand). Cytogenetic location: 18q21.1.
Variant type: single nucleotide variant.
Coding change: c.4256C>T on transcript NM_001384474.1 (MANE Select); coding-DNA position 4256, C replaced by T.
Protein change: p.Thr1419Ile; replaces threonine 1419 with isoleucine.
Molecular consequence: missense variant.
Genome position (GRCh38, 1-based): chr18:46,533,281, G>A on the plus strand (C>T on the coding strand, the complement: LOXHD1 is on the minus strand). VCF-style: chr18-46533281-G-A. GRCh37 (hg19) VCF-style: chr18-44113244-G-A.
Other names: c.923C>T, p.Thr308Ile (NM_001145472.3); c.635C>T, p.Thr212Ile (NM_001308013.2); c.4256C>T, p.Thr1419Ile (NM_144612.7); short protein forms T1419I, T212I, T308I.
Identifiers: ClinVar variation 228826 (VCV000228826.9), dbSNP rs866017859, ClinGen allele CA10577075.

ClinVar aggregate classification (germline): Uncertain significance. Review status: criteria provided, multiple submitters, no conflicts (2 of 4 stars). 5 submissions from 5 submitters: Uncertain significance (3). 2 of the submissions do not count toward it. Last evaluated 2023-02-28.

Conditions:
Autosomal recessive nonsyndromic hearing loss 77. Identifiers: Orphanet 90636, MedGen C2746083, MONDO:0013119, OMIM 613079.

Allele frequency attached by ClinVar (database versions not stated): gnomAD 0.00001; gnomAD exomes 0.00001 and 0.00002; TOPMed 0.00002.
gnomAD v4.1: 29 of 1,551,662 alleles (0.0019%); highest among the groups gnomAD compares: Middle Eastern, 0.15%; no homozygotes.

Submissions (5):

Blueprint Genetics
Classification: Uncertain significance. Last evaluated: 2023-02-28. Review status: criteria provided, single submitter. Criteria: ACMG Guidelines, 2015. Collection method: clinical testing. Allele origin: germline.

Baylor Genetics
Classification: Uncertain significance for Autosomal recessive nonsyndromic hearing loss 77. Last evaluated: 2020-09-19. Review status: criteria provided, single submitter. Criteria: ACMG Guidelines, 2015. Collection method: clinical testing. Allele origin: unknown. Affected: yes.
Comment: This variant was determined to be of uncertain significance according to ACMG Guidelines, 2015 [PMID:25741868].

Laboratory for Molecular Medicine, Mass General Brigham Personalized Medicine
Classification: Uncertain significance. Last evaluated: 2016-09-12. Review status: criteria provided, single submitter. Criteria: LMM Criteria. Collection method: clinical testing. Allele origin: germline. Observed: 2 variant alleles.
Comment: Computational prediction tools and conservation analyses suggest that this v ariant may not impact the protein, though this information is not predictive eno ugh to rule out pathogenicity. In summary, the clinical significance of the p.Th r1419Ile variant is uncertain.

Natera, Inc.
Classification: Uncertain significance for Autosomal recessive deafness type 77. Last evaluated: 2020-09-16. Review status: no assertion criteria provided. Collection method: clinical testing. Allele origin: germline. Not counted in ClinVar's aggregate classification.

Counsyl
Classification: Uncertain significance for Autosomal recessive nonsyndromic hearing loss 77. Last evaluated: 2017-11-07. Review status: no assertion criteria provided. Collection method: clinical testing. Allele origin: unknown. Not counted in ClinVar's aggregate classification.